The following is an entry in ClinVar:

ClinVar aggregate classification (germline): Conflicting classifications of pathogenicity. Review status: criteria provided, conflicting classifications (1 of 4 stars). 3 submissions from 3 submitters: Uncertain significance (2); Likely benign (1). Last evaluated 2026-01-05.

Conditions:
Cardiovascular phenotype. Identifiers: MedGen CN230736.
RASopathy. Also called: Noonan spectrum disorder; rasopathies. Identifiers: Orphanet 536391, MedGen C5555857, MONDO:0021060.

Submissions (3):

Labcorp Genetics (formerly Invitae), Labcorp
Classification: Uncertain significance for RASopathy. Last evaluated: 2026-01-05. Review status: criteria provided, single submitter. Criteria: Invitae Variant Classification Sherloc (09022015). Collection method: clinical testing. Allele origin: germline.
Comment: This sequence change replaces glutamic acid, which is acidic and polar, with lysine, which is basic and polar, at codon 26 of the BRAF protein (p.Glu26Lys). This variant is not present in population databases (gnomAD no frequency). This variant has not been reported in the literature in individuals affected with BRAF-related conditions. ClinVar contains an entry for this variant (Variation ID: 40336). Invitae Evidence Modeling of protein sequence and biophysical properties (such as structural, functional, and spatial information, amino acid conservation, physicochemical variation, residue mobility, and thermodynamic stability) indicates that this missense variant is expected to disrupt BRAF protein function with a positive predictive value of 95%. In summary, the available evidence is currently insufficient to determine the role of this variant in disease. Therefore, it has been classified as a Variant of Uncertain Significance.

Ambry Genetics
Classification: Uncertain significance for Cardiovascular phenotype. Last evaluated: 2021-07-22. Review status: criteria provided, single submitter. Criteria: Ambry Variant Classification Scheme 2023. Collection method: clinical testing. Allele origin: germline.
Comment: The p.E26K variant (also known as c.76G>A), located in coding exon 1 of the BRAF gene, results from a G to A substitution at nucleotide position 76. The glutamic acid at codon 26 is replaced by lysine, an amino acid with similar properties. This amino acid position is conserved. In addition, the in silico prediction for this alteration is inconclusive. Since supporting evidence is limited at this time, the clinical significance of this alteration remains unclear.

GeneDx
Classification: Likely benign. Last evaluated: 2012-10-15. Review status: criteria provided, single submitter. Criteria: GeneDx Variant Classification (06012015). Collection method: clinical testing. Allele origin: germline. Affected: yes.
Comment: This variant is considered likely benign or benign based on one or more of the following criteria: it is a conservative change, it occurs at a poorly conserved position in the protein, it is predicted to be benign by multiple in silico algorithms, and/or has population frequency not consistent with disease.

NM_004333.6(BRAF):c.76G>A (p.Glu26Lys)

Gene: BRAF (B-Raf proto-oncogene, serine/threonine kinase; minus strand). Cytogenetic location: 7q34.
Variant type: single nucleotide variant.
Coding change: c.76G>A on transcript NM_004333.6 (MANE Select); coding-DNA position 76, G replaced by A.
Protein change: p.Glu26Lys; replaces glutamic acid 26 with lysine.
Molecular consequence: missense variant.
Genome position (GRCh38, 1-based): chr7:140,924,628, C>T on the plus strand (G>A on the coding strand, the complement: BRAF is on the minus strand). VCF-style: chr7-140924628-C-T. GRCh37 (hg19) VCF-style: chr7-140624428-C-T.
Other names: p.E26K:GAG>AAG; c.76G>A, p.Glu26Lys (NM_001354609.2, NM_001374244.1, NM_001374258.1 and 7 more transcripts); short protein forms E26K.
Identifiers: ClinVar variation 40336 (VCV000040336.10), dbSNP rs397507457, ClinGen allele CA281927.